The following is an entry in ClinVar:

ClinVar aggregate classification (germline): Uncertain significance (1 of 4 stars; one submission).

Conditions:
Baller-Gerold syndrome (BGS). Also called: CRANIOSYNOSTOSIS WITH RADIAL DEFECTS. Identifiers: Orphanet 1225, MedGen C0265308, MONDO:0009039, OMIM 218600.

gnomAD v4.1: 2 of 1,602,870 alleles (0.00012%); highest among the groups gnomAD compares: East Asian, 0.0045%; no homozygotes.

Submission:

Labcorp Genetics (formerly Invitae), Labcorp
Classification: Uncertain significance for Baller-Gerold syndrome. Last evaluated: 2022-08-10. Review status: criteria provided, single submitter. Criteria: Invitae Variant Classification Sherloc (09022015). Collection method: clinical testing. Allele origin: germline.
Comment: The frequency data for this variant in the population databases is considered unreliable, as metrics indicate poor data quality at this position in the gnomAD database. In summary, the available evidence is currently insufficient to determine the role of this variant in disease. Therefore, it has been classified as a Variant of Uncertain Significance. Experimental studies and prediction algorithms are not available or were not evaluated, and the functional significance of this variant is currently unknown. ClinVar contains an entry for this variant (Variation ID: 1489432). This variant has not been reported in the literature in individuals affected with RECQL4-related conditions. This sequence change replaces aspartic acid, which is acidic and polar, with histidine, which is basic and polar, at codon 914 of the RECQL4 protein (p.Asp914His).

NM_004260.4(RECQL4):c.2740G>C (p.Asp914His)

Gene: RECQL4 (RecQ like helicase 4; minus strand). Cytogenetic location: 8q24.3.
Variant type: single nucleotide variant.
Coding change: c.2740G>C on transcript NM_004260.4 (MANE Select); coding-DNA position 2740, G replaced by C.
Protein change: p.Asp914His; replaces aspartic acid 914 with histidine.
Molecular consequence: missense variant.
Genome position (GRCh38, 1-based): chr8:144,512,862, C>G on the plus strand (G>C on the coding strand, the complement: RECQL4 is on the minus strand). VCF-style: chr8-144512862-C-G. GRCh37 (hg19) VCF-style: chr8-145738245-C-G.
Other names: short protein forms D914H.
Identifiers: ClinVar variation 1489432 (VCV001489432.6), dbSNP rs371327041, ClinGen allele CA4948130.